The following is an entry in ClinVar:

ClinVar aggregate classification (germline): Uncertain significance (1 of 4 stars; one submission).

Conditions:
Cardiovascular phenotype. Identifiers: MedGen CN230736.

Submission:

Ambry Genetics
Classification: Uncertain significance for Cardiovascular phenotype. Last evaluated: 2025-01-27. Review status: criteria provided, single submitter. Criteria: Ambry Variant Classification Scheme 2023. Collection method: clinical testing. Allele origin: germline.
Comment: The p.I918N variant (also known as c.2753T>A), located in coding exon 21 of the RASA1 gene, results from a T to A substitution at nucleotide position 2753. The isoleucine at codon 918 is replaced by asparagine, an amino acid with dissimilar properties. This amino acid position is conserved. In addition, this alteration is predicted to be deleterious by in silico analysis. Based on the available evidence, the clinical significance of this variant remains unclear.

NM_002890.3(RASA1):c.2753T>A (p.Ile918Asn)

Genes: CCNH (cyclin H; minus strand), RASA1 (RAS p21 protein activator 1; plus strand). Cytogenetic location: 5q14.3.
Variant type: single nucleotide variant.
Coding change: c.2753T>A on transcript NM_002890.3 (MANE Select); coding-DNA position 2753, T replaced by A.
Protein change: p.Ile918Asn; replaces isoleucine 918 with asparagine.
Molecular consequence: missense variant. On other transcripts: intron variant (1).
Genome position (GRCh38, 1-based): chr5:87,383,775, T>A. VCF-style: chr5-87383775-T-A. GRCh37 (hg19) VCF-style: chr5-86679592-T-A.
Other names: c.2222T>A, p.Ile741Asn (NM_022650.3); c.933+11269A>T (NM_001364075.2); short protein forms I741N, I918N.
Identifiers: ClinVar variation 3786958 (VCV003786958.1).